The following is an entry in ClinVar:

ClinVar aggregate classification (germline): Uncertain significance (1 of 4 stars; one submission).

Conditions:
Hereditary cancer-predisposing syndrome. Also called: Neoplastic Syndromes, Hereditary; Tumor predisposition; Hereditary neoplastic syndrome; Hereditary Cancer Syndrome. Identifiers: Orphanet 140162, MedGen C0027672, MeSH D009386, MONDO:0015356.

Submission:

Ambry Genetics
Classification: Uncertain significance for Hereditary cancer-predisposing syndrome. Last evaluated: 2026-07-07. Review status: criteria provided, single submitter. Criteria: Ambry Variant Classification Scheme 2023. Collection method: clinical testing. Allele origin: germline.
Comment: The p.Q179P variant (also known as c.536A>C), located in coding exon 1 of the AXIN2 gene, results from an A to C substitution at nucleotide position 536. The glutamine at codon 179 is replaced by proline, an amino acid with similar properties. This amino acid position is conserved. In addition, the in silico prediction for this alteration is inconclusive. Based on the available evidence, the clinical significance of this variant remains unclear.

NM_004655.4(AXIN2):c.536A>C (p.Gln179Pro)

Gene: AXIN2 (axin 2; minus strand). Cytogenetic location: 17q24.1.
Variant type: single nucleotide variant.
Coding change: c.536A>C on transcript NM_004655.4 (MANE Select); coding-DNA position 536, A replaced by C.
Protein change: p.Gln179Pro; replaces glutamine 179 with proline.
Molecular consequence: missense variant.
Genome position (GRCh38, 1-based): chr17:65,558,085, T>G on the plus strand (A>C on the coding strand, the complement: AXIN2 is on the minus strand). VCF-style: chr17-65558085-T-G. GRCh37 (hg19) VCF-style: chr17-63554203-T-G.
Other names: c.536A>C, p.Gln179Pro (NM_001363813.1); short protein forms Q179P.
Identifiers: ClinVar variation 5032624 (VCV005032624.1).